The following is an entry in ClinVar:

NM_001319217.2(CYP1A1):c.1318G>A (p.Asp440Asn)

Gene: CYP1A1 (cytochrome P450 family 1 subfamily A member 1; minus strand). Cytogenetic location: 15q24.1.
Variant type: single nucleotide variant.
Coding change: c.1318G>A on transcript NM_001319217.2 (MANE Select); coding-DNA position 1318, G replaced by A.
Protein change: p.Asp440Asn; replaces aspartic acid 440 with asparagine.
Molecular consequence: missense variant.
Genome position (GRCh38, 1-based): chr15:74,720,710, C>T on the plus strand (G>A on the coding strand, the complement: CYP1A1 is on the minus strand). VCF-style: chr15-74720710-C-T. GRCh37 (hg19) VCF-style: chr15-75013051-C-T.
Other names: c.1318G>A, p.Asp440Asn (NM_000499.5); c.1231G>A, p.Asp411Asn (NM_001319216.2); c.1318G>A (NM_001319217.1); short protein forms D440N, D411N.
Identifiers: ClinVar variation 777698 (VCV000777698.6), dbSNP rs145198866, ClinGen allele CA7659261.

ClinVar aggregate classification (germline): Likely benign. Review status: criteria provided, multiple submitters, no conflicts (2 of 4 stars). 3 submissions from 3 submitters: Likely benign (2). 1 of the submissions does not count toward it. Last evaluated 2018-06-13.

Conditions:
CYP1A1-related disorder. Also called: CYP1A1-related condition.

Allele frequency attached by ClinVar (database versions not stated): 1000 Genomes Project 30x 0.00250; 1000 Genomes Project 0.00300; gnomAD 0.00319; TOPMed 0.00361; ESP Exome Variant Server 0.00447.

Submissions (3):

Labcorp Genetics (formerly Invitae), Labcorp
Classification: Likely benign. Last evaluated: 2018-06-13. Review status: criteria provided, single submitter. Criteria: Invitae Variant Classification Sherloc (09022015). Collection method: clinical testing. Allele origin: germline.

Breakthrough Genomics
Classification: Likely benign. Review status: criteria provided, single submitter. Criteria: ACMG Guidelines, 2015. Collection method: not provided. Allele origin: germline. Inheritance: Unknown mechanism. Affected: yes.

PreventionGenetics, part of Exact Sciences
Classification: Likely benign for CYP1A1-related condition. Last evaluated: 2019-06-30. Review status: no assertion criteria provided. Collection method: clinical testing. Allele origin: germline. Not counted in ClinVar's aggregate classification.
Comment: This variant is classified as likely benign based on ACMG/AMP sequence variant interpretation guidelines (Richards et al. 2015 PMID: 25741868, with internal and published modifications).